The following is an entry in ClinVar:

ClinVar aggregate classification (germline): Uncertain significance (1 of 4 stars; one submission).

Submission:

GeneDx
Classification: Uncertain significance. Last evaluated: 2025-05-16. Review status: criteria provided, single submitter. Criteria: GeneDx Variant Classification Process June 2021. Collection method: clinical testing. Allele origin: germline. Affected: yes.
Comment: Not observed at significant frequency in large population cohorts (gnomAD); In silico analysis supports that this missense variant has a deleterious effect on protein structure/function; Has not been previously published as pathogenic or benign to our knowledge

NM_001104631.2(PDE4D):c.617T>A (p.Met206Lys)

Gene: PDE4D (phosphodiesterase 4D; minus strand). Cytogenetic location: 5q11.2.
Variant type: single nucleotide variant.
Coding change: c.617T>A on transcript NM_001104631.2 (MANE Select); coding-DNA position 617, T replaced by A.
Protein change: p.Met206Lys; replaces methionine 206 with lysine.
Molecular consequence: missense variant. On other transcripts: 5 prime UTR variant (3).
Genome position (GRCh38, 1-based): chr5:59,215,807, A>T on the plus strand (T>A on the coding strand, the complement: PDE4D is on the minus strand). VCF-style: chr5-59215807-A-T. GRCh37 (hg19) VCF-style: chr5-58511633-A-T.
Other names: c.434T>A, p.Met145Lys (NM_001165899.2, NM_001364599.1, NM_001364600.2); c.425T>A, p.Met142Lys (NM_001197218.2, NM_001364601.1, NM_001364602.2); c.251T>A, p.Met84Lys (NM_001197219.2); c.227T>A, p.Met76Lys (NM_001197220.2); c.404T>A, p.Met135Lys (NM_001349241.2); c.287T>A, p.Met96Lys (NM_001349242.2); c.-78T>A (NM_001349243.2, NM_001364604.1); c.-334T>A (NM_001364603.1); and 1 more; short protein forms M135K, M142K, M145K, M206K, M70K, M76K, M84K, M96K.
Identifiers: ClinVar variation 4529634 (VCV004529634.1).